The following is an entry in ClinVar:

NM_002467.6(MYC):c.738G>A (p.Pro246=)

Gene: MYC (MYC proto-oncogene, bHLH transcription factor; plus strand). Cytogenetic location: 8q24.21.
Variant type: single nucleotide variant.
Coding change: c.738G>A on transcript NM_002467.6 (MANE Select); coding-DNA position 738, G replaced by A.
Protein change: p.Pro246=; no amino-acid change (proline 246 retained).
Molecular consequence: synonymous variant.
Genome position (GRCh38, 1-based): chr8:127,738,955, G>A. VCF-style: chr8-127738955-G-A. GRCh37 (hg19) VCF-style: chr8-128751201-G-A.
Other names: c.735G>A, p.Pro245= (NM_001354870.1).
Identifiers: ClinVar variation 3057137 (VCV003057137.2), dbSNP rs2070582, ClinGen allele CA4875346.

ClinVar aggregate classification (germline): Benign (0 of 4 stars; one submission).

Conditions:
MYC-related disorder. Also called: MYC-related condition.

Allele frequency attached by ClinVar (database versions not stated): ESP Exome Variant Server 0.03840; TOPMed 0.04241; 1000 Genomes Project 30x 0.05934; 1000 Genomes Project 0.06250.

Submission:

PreventionGenetics, part of Exact Sciences
Classification: Benign for MYC-related condition. Last evaluated: 2019-09-06. Review status: no assertion criteria provided. Collection method: clinical testing. Allele origin: germline.
Comment: This variant is classified as benign based on ACMG/AMP sequence variant interpretation guidelines (Richards et al. 2015 PMID: 25741868, with internal and published modifications).